The following is an entry in ClinVar:

ClinVar aggregate classification (germline): Uncertain significance (1 of 4 stars; one submission).

Conditions:
Duchenne muscular dystrophy (DMD). Also called: MUSCULAR DYSTROPHY, PSEUDOHYPERTROPHIC PROGRESSIVE, DUCHENNE TYPE; Duchenne Muscular Dystrophy (DMD). Identifiers: Orphanet 98896, MedGen C0013264, MONDO:0010679, OMIM 310200.

gnomAD v4.1: 1 of 1,211,637 alleles (0.000083%); highest among the groups gnomAD compares: Non-Finnish European, 0.00011%; no homozygotes.

Submission:

Labcorp Genetics (formerly Invitae), Labcorp
Classification: Uncertain significance for Duchenne muscular dystrophy. Last evaluated: 2024-10-27. Review status: criteria provided, single submitter. Criteria: Invitae Variant Classification Sherloc (09022015). Collection method: clinical testing. Allele origin: germline.
Comment: This sequence change replaces glutamic acid, which is acidic and polar, with glutamine, which is neutral and polar, at codon 3657 of the DMD protein (p.Glu3657Gln). This variant is not present in population databases (gnomAD no frequency). This variant has not been reported in the literature in individuals affected with DMD-related conditions. Invitae Evidence Modeling of protein sequence and biophysical properties (such as structural, functional, and spatial information, amino acid conservation, physicochemical variation, residue mobility, and thermodynamic stability) indicates that this missense variant is not expected to disrupt DMD protein function with a negative predictive value of 95%. In summary, the available evidence is currently insufficient to determine the role of this variant in disease. Therefore, it has been classified as a Variant of Uncertain Significance.

NM_004006.3(DMD):c.10969G>C (p.Glu3657Gln)

Gene: DMD (dystrophin; minus strand). Cytogenetic location: Xp21.2.
Variant type: single nucleotide variant.
Coding change: c.10969G>C on transcript NM_004006.3 (MANE Select); coding-DNA position 10969, G replaced by C.
Protein change: p.Glu3657Gln; replaces glutamic acid 3657 with glutamine.
Molecular consequence: missense variant.
Genome position (GRCh38, 1-based): chrX:31,134,147, C>G on the plus strand (G>C on the coding strand, the complement: DMD is on the minus strand). VCF-style: chrX-31134147-C-G. GRCh37 (hg19) VCF-style: chrX-31152264-C-G.
Other names: c.10945G>C, p.Glu3649Gln (NM_000109.4); c.10957G>C, p.Glu3653Gln (NM_004009.3); c.10600G>C, p.Glu3534Gln (NM_004010.3); c.6946G>C, p.Glu2316Gln (NM_004011.4); c.6937G>C, p.Glu2313Gln (NM_004012.4); c.3589G>C, p.Glu1197Gln (NM_004013.3, NM_004021.3); c.2782G>C, p.Glu928Gln (NM_004014.3); c.1765G>C, p.Glu589Gln (NM_004015.3, NM_004016.3); and 3 more; short protein forms E1087Q, E1184Q, E1197Q, E2313Q, E2316Q, E3534Q, E3649Q, E3653Q.
Identifiers: ClinVar variation 3606998 (VCV003606998.2).